The following is an entry in ClinVar:

ClinVar aggregate classification (germline): Uncertain significance. Review status: criteria provided, multiple submitters, no conflicts (2 of 4 stars). 2 submissions from 2 submitters: Uncertain significance (2). Last evaluated 2025-09-23.

Conditions:
Optic atrophy 3 (OPA3). Also called: OPTIC ATROPHY 3, AUTOSOMAL DOMINANT; Optic atrophy, cataract, and neurologic disorder; Optic atrophy 3 with cataract. Identifiers: Orphanet 67036, MedGen C1833809, MONDO:0008133, OMIM 165300.
3-Methylglutaconic aciduria type 3 (MGCA3). Also called: Costeff Syndrome; OPA3, AUTOSOMAL RECESSIVE; OPTIC ATROPHY 3, AUTOSOMAL RECESSIVE; OPA3-Related 3-Methylglutaconic Aciduria. Identifiers: Orphanet 67047, MedGen C0574084, MONDO:0009787, OMIM 258501.

Allele frequency attached by ClinVar (database versions not stated): TOPMed below 0.00001; gnomAD exomes below 0.00001.
gnomAD v4.1: 2 of 1,612,554 alleles (0.00012%); highest among the groups gnomAD compares: Admixed American, 0.0017%; no homozygotes.

Submissions (2):

Mayo Clinic Laboratories, Mayo Clinic
Classification: Uncertain significance. Last evaluated: 2025-09-23. Review status: criteria provided, single submitter. Criteria: ACMG Guidelines, 2015. Collection method: clinical testing. Allele origin: germline. Observed: 1 variant allele.
Comment: PP3

Labcorp Genetics (formerly Invitae), Labcorp
Classification: Uncertain significance for 3-Methylglutaconic aciduria type 3; Optic atrophy 3. Last evaluated: 2024-05-02. Review status: criteria provided, single submitter. Criteria: Invitae Variant Classification Sherloc (09022015). Collection method: clinical testing. Allele origin: germline.
Comment: This sequence change replaces valine, which is neutral and non-polar, with glycine, which is neutral and non-polar, at codon 98 of the OPA3 protein (p.Val98Gly). This variant is not present in population databases (gnomAD no frequency). This variant has not been reported in the literature in individuals affected with OPA3-related conditions. ClinVar contains an entry for this variant (Variation ID: 1357102). An algorithm developed to predict the effect of missense changes on protein structure and function (PolyPhen-2) suggests that this variant is likely to be disruptive. In summary, the available evidence is currently insufficient to determine the role of this variant in disease. Therefore, it has been classified as a Variant of Uncertain Significance.

NM_025136.4(OPA3):c.293T>G (p.Val98Gly)

Genes: OPA3 (outer mitochondrial membrane lipid metabolism regulator OPA3; minus strand), OPA3-RTN2 (OPA3-RTN2 readthrough; minus strand). Cytogenetic location: 19q13.32.
Variant type: single nucleotide variant.
Coding change: c.293T>G on transcript NM_025136.4 (MANE Select); coding-DNA position 293, T replaced by G.
Protein change: p.Val98Gly; replaces valine 98 with glycine.
Molecular consequence: missense variant. On other transcripts: intron variant (1).
Genome position (GRCh38, 1-based): chr19:45,553,761, A>C on the plus strand (T>G on the coding strand, the complement: OPA3 is on the minus strand). VCF-style: chr19-45553761-A-C. GRCh37 (hg19) VCF-style: chr19-46057019-A-C.
Other names: p.Val98Gly; c.143-24305T>G (NM_001017989.3); short protein forms V98G.
Identifiers: ClinVar variation 1357102 (VCV001357102.6), dbSNP rs967310075, ClinGen allele CA308958932.